The following is an entry in ClinVar:

NM_000078.3(CETP):c.1135A>T (p.Thr379Ser)

Gene: CETP (cholesteryl ester transfer protein; plus strand). Cytogenetic location: 16q13.
Variant type: single nucleotide variant.
Coding change: c.1135A>T on transcript NM_000078.3 (MANE Select); coding-DNA position 1135, A replaced by T.
Protein change: p.Thr379Ser; replaces threonine 379 with serine.
Molecular consequence: missense variant.
Genome position (GRCh38, 1-based): chr16:56,978,244, A>T. VCF-style: chr16-56978244-A-T. GRCh37 (hg19) VCF-style: chr16-57012156-A-T.
Other names: c.955A>T, p.Thr319Ser (NM_001286085.2); short protein forms T379S, T319S.
Identifiers: ClinVar variation 2999530 (VCV002999530.3), dbSNP rs149523722, ClinGen allele CA281527340.

ClinVar aggregate classification (germline): Uncertain significance (1 of 4 stars; one submission).

Allele frequency attached by ClinVar (database versions not stated): ESP Exome Variant Server 0.00008.
gnomAD v4.1: 6 of 1,614,006 alleles (0.00037%); highest among the groups gnomAD compares: Non-Finnish European, 0.00051%; no homozygotes.

Submission:

Labcorp Genetics (formerly Invitae), Labcorp
Classification: Uncertain significance. Last evaluated: 2023-04-12. Review status: criteria provided, single submitter. Criteria: Invitae Variant Classification Sherloc (09022015). Collection method: clinical testing. Allele origin: germline.
Comment: This sequence change replaces threonine, which is neutral and polar, with serine, which is neutral and polar, at codon 379 of the CETP protein (p.Thr379Ser). This variant is present in population databases (rs149523722, gnomAD 0.007%). This variant has not been reported in the literature in individuals affected with CETP-related conditions. Advanced modeling of protein sequence and biophysical properties (such as structural, functional, and spatial information, amino acid conservation, physicochemical variation, residue mobility, and thermodynamic stability) performed at Invitae indicates that this missense variant is not expected to disrupt CETP protein function. In summary, the available evidence is currently insufficient to determine the role of this variant in disease. Therefore, it has been classified as a Variant of Uncertain Significance.